The following is an entry in ClinVar:

ClinVar aggregate classification (germline): Uncertain significance. Review status: criteria provided, multiple submitters, no conflicts (2 of 4 stars). 3 submissions from 3 submitters: Uncertain significance (3). Last evaluated 2021-08-12.

Conditions:
ARHGEF6-associated Neurodevelopmental disorder.
Intellectual developmental disorder, X-linked 46. Also called: Intellectual disability, X-linked 46. Identifiers: Orphanet 777, MedGen C1845526, MONDO:0010326, OMIM 300436.

Allele frequency attached by ClinVar (database versions not stated): ExAC 0.00001; gnomAD exomes 0.00001 and below 0.00001; TOPMed 0.00002; ESP Exome Variant Server 0.00009.
gnomAD v4.1: 4 of 1,190,727 alleles (0.00034%); highest among the groups gnomAD compares: African/African-American, 0.007%; no homozygotes.

Submissions (3):

New York Genome Center
Classification: Uncertain significance for ARHGEF6-associated Neurodevelopmental disorder. Last evaluated: 2021-08-12. Review status: criteria provided, single submitter. Criteria: NYGC Assertion Criteria 2020. Collection method: clinical testing. Allele origin: inherited. Observed: 1 heterozygote. Study: CSER-NYCKidSeq.

Mendelics
Classification: Uncertain significance for Intellectual developmental disorder, X-linked 46. Last evaluated: 2019-05-28. Review status: criteria provided, single submitter. Criteria: Mendelics Assertion Criteria 2017. Collection method: clinical testing. Allele origin: unknown.

GeneDx
Classification: Uncertain significance. Last evaluated: 2017-08-21. Review status: criteria provided, single submitter. Criteria: GeneDx Variant Classification (06012015). Collection method: clinical testing. Allele origin: germline. Affected: yes.
Comment: The K648R variant in the ARHGEF6 gene has not been reported previously as a pathogenic variant, nor as a benign variant, to our knowledge. The K648R variant is not observed at a significant frequency in large population cohorts (Lek et al., 2016; 1000 Genomes Consortium et al., 2015; Exome Variant Server). The K648R variant is a conservative amino acid substitution, which occurs at a position that is conserved across species. In silico analysis is inconsistent in its predictions as to whether or not the variant is damaging to the protein structure/function. We interpret K648R as a variant of uncertain significance,

NM_004840.3(ARHGEF6):c.1943A>G (p.Lys648Arg)

Gene: ARHGEF6 (Rac/Cdc42 guanine nucleotide exchange factor 6; minus strand). Cytogenetic location: Xq26.3.
Variant type: single nucleotide variant.
Coding change: c.1943A>G on transcript NM_004840.3 (MANE Select); coding-DNA position 1943, A replaced by G.
Protein change: p.Lys648Arg; replaces lysine 648 with arginine.
Molecular consequence: missense variant.
Genome position (GRCh38, 1-based): chrX:136,676,626, T>C on the plus strand (A>G on the coding strand, the complement: ARHGEF6 is on the minus strand). VCF-style: chrX-136676626-T-C. GRCh37 (hg19) VCF-style: chrX-135758785-T-C.
Other names: c.1481A>G, p.Lys494Arg (NM_001306177.2); short protein forms K648R, K494R.
Identifiers: ClinVar variation 451586 (VCV000451586.4), dbSNP rs375084147, ClinGen allele CA10528268.